The following is an entry in ClinVar:

ClinVar aggregate classification (germline): Pathogenic. Review status: criteria provided, multiple submitters, no conflicts (2 of 4 stars). 3 submissions from 3 submitters: Pathogenic (2). 1 of the submissions does not count toward it. Last evaluated 2021-02-19.

Conditions:
Hereditary cancer-predisposing syndrome. Also called: Tumor predisposition; Hereditary Cancer Syndrome; Hereditary neoplastic syndrome; Neoplastic Syndromes, Hereditary. Identifiers: Orphanet 140162, MedGen C0027672, MeSH D009386, MONDO:0015356.
Hereditary breast ovarian cancer syndrome. Also called: Breast and ovarian cancer; Hereditary breast and/or ovarian cancer syndrome; BRCA1- and BRCA2-Associated Hereditary Breast and Ovarian Cancer; Hereditary breast and ovarian cancer syndrome; Hereditary breast and ovarian cancer syndrome (HBOC); Hereditary breast and ovarian cancer. Identifiers: Orphanet 145, MedGen C0677776, MeSH D061325, MONDO:0003582. Disease mechanism: loss of function.
Breast-ovarian cancer, familial, susceptibility to, 1 (BROVCA1). Also called: BRCA1 Hereditary Breast and Ovarian Cancer; OVARIAN CANCER, SUSCEPTIBILITY TO. Identifiers: Orphanet 145, MedGen C2676676, MONDO:0011450, OMIM 604370. Disease mechanism: loss of function.

Submissions (3):

Labcorp Genetics (formerly Invitae), Labcorp
Classification: Pathogenic for Hereditary breast ovarian cancer syndrome. Last evaluated: 2021-02-19. Review status: criteria provided, single submitter. Criteria: Invitae Variant Classification Sherloc (09022015). Collection method: clinical testing. Allele origin: germline.
Comment: For these reasons, this variant has been classified as Pathogenic. This variant has not been reported in the literature in individuals with BRCA1-related conditions. ClinVar contains an entry for this variant (Variation ID: 487415). This variant is not present in population databases (ExAC no frequency). This sequence change creates a premature translational stop signal (p.Glu1630*) in the BRCA1 gene. It is expected to result in an absent or disrupted protein product. Loss-of-function variants in BRCA1 are known to be pathogenic (PMID: 20104584).

Ambry Genetics
Classification: Pathogenic for Hereditary cancer-predisposing syndrome. Last evaluated: 2018-05-15. Review status: criteria provided, single submitter. Criteria: Ambry Variant Classification Scheme 2023. Collection method: clinical testing. Allele origin: germline.
Comment: The p.E1630* pathogenic mutation (also known as c.4888G>T), located in coding exon 14 of the BRCA1 gene, results from a G to T substitution at nucleotide position 4888. This changes the amino acid from a glutamic acid to a stop codon within coding exon 14. This alteration is expected to result in loss of function by premature protein truncation or nonsense-mediated mRNA decay. As such, this alteration is interpreted as a disease-causing mutation.

Counsyl
Classification: Likely pathogenic for Breast-ovarian cancer, familial, susceptibility to, 1. Last evaluated: 2017-01-03. Review status: no assertion criteria provided. Collection method: clinical testing. Allele origin: unknown. Not counted in ClinVar's aggregate classification.

Literature cited by the submitters: PubMed 20104584 (cited by Labcorp Genetics (formerly Invitae), Labcorp); PubMed 27756336 (cited by Counsyl).

NM_007294.4(BRCA1):c.4888G>T (p.Glu1630Ter)

Gene: BRCA1 (BRCA1 DNA repair associated; minus strand). Cytogenetic location: 17q21.31.
Variant type: single nucleotide variant.
Coding change: c.4888G>T on transcript NM_007294.4 (MANE Select); coding-DNA position 4888, G replaced by T.
Protein change: p.Glu1630Ter; replaces glutamic acid 1630 with a stop codon.
Molecular consequence: nonsense. On other transcripts: non-coding transcript variant (1).
Genome position (GRCh38, 1-based): chr17:43,071,026, C>A on the plus strand (G>T on the coding strand, the complement: BRCA1 is on the minus strand). VCF-style: chr17-43071026-C-A. GRCh37 (hg19) VCF-style: chr17-41223043-C-A.
Other names: c.4675G>T, p.Glu1559Ter (NM_001407571.1, NM_001407894.1, NM_001407895.1 and 12 more transcripts); c.4954G>T, p.Glu1652Ter (NM_001407581.1, NM_001407582.1); c.4951G>T, p.Glu1651Ter (NM_001407583.1, NM_001407585.1, NM_001407587.1 and 1 more transcripts); c.4948G>T, p.Glu1650Ter (NM_001407590.1, NM_001407591.1); c.4888G>T, p.Glu1630Ter (NM_001407593.1, NM_001407594.1, NM_001407596.1 and 8 more transcripts); c.4885G>T, p.Glu1629Ter (NM_001407610.1, NM_001407621.1, NM_001407622.1 and 17 more transcripts); c.4882G>T, p.Glu1628Ter (NM_001407627.1, NM_001407628.1, NM_001407629.1 and 14 more transcripts); c.4879G>T, p.Glu1627Ter (NM_001407644.1, NM_001407645.1); and 70 more; short protein forms E1630*, E526*, E1583*, E1651*, E1334*, E1461*, E1476*, E1518*.
Identifiers: ClinVar variation 487415 (VCV000487415.12), dbSNP rs1173155015, ClinGen allele CA10591749.